The following is an entry in ClinVar:

ClinVar aggregate classification (germline): Conflicting classifications of pathogenicity. Review status: criteria provided, conflicting classifications (1 of 4 stars). 6 submissions from 5 submitters: Uncertain significance (1); Benign (1); Likely benign (3). 1 of the submissions does not count toward it. Last evaluated 2026-01-26.

Conditions:
Inborn genetic diseases. Identifiers: MedGen C0950123, MeSH D030342.
Paroxysmal extreme pain disorder (PEXPD). Also called: SCN9A Paroxysmal Extreme Pain Disorder (SCN9A-PEPD); PAIN, SUBMANDIBULAR, OCULAR, AND RECTAL, WITH FLUSHING; RECTAL PAIN, FAMILIAL. Identifiers: Orphanet 46348, MedGen C1833661, MONDO:0008179, OMIM 167400.
Channelopathy-associated congenital insensitivity to pain, autosomal recessive. Also called: ASYMBOLIA FOR PAIN; CONGENITAL ANALGESIA, AUTOSOMAL RECESSIVE; Insensitivity to pain, channelopathy-associated. Identifiers: Orphanet 88642, Orphanet 970, MedGen C1855739, MONDO:0009459, OMIM 243000.
Neuropathy, hereditary sensory and autonomic, type 2A (HSAN2A). Also called: HSAN IIA; WNK1-Related HSAN2 (HSAN2A); ACROOSTEOLYSIS, GIACCAI TYPE; ACROOSTEOLYSIS, NEUROGENIC; MORVAN DISEASE; NEUROPATHY, CONGENITAL SENSORY. Identifiers: Orphanet 970, MedGen C2752089, MONDO:0024309, OMIM 201300.
Generalized epilepsy with febrile seizures plus, type 7 (GEFSP7). Also called: GEFS+, TYPE 7. Identifiers: Orphanet 36387, MedGen C2751778, MONDO:0013470, OMIM 613863.
SCN9A-related disorder. Also called: SCN9A-related condition; SCN9A-related disorders.

Allele frequency attached by ClinVar (database versions not stated): gnomAD 0.00001; TOPMed 0.00011; ExAC 0.00007; gnomAD exomes 0.00009 and 0.00002.
gnomAD v4.1: 30 of 1,581,128 alleles (0.0019%); highest among the groups gnomAD compares: Admixed American, 0.044%; no homozygotes.

Submissions (6):

Labcorp Genetics (formerly Invitae), Labcorp
Classification: Likely benign for Neuropathy, hereditary sensory and autonomic, type 2A; Generalized epilepsy with febrile seizures plus, type 7. Last evaluated: 2026-01-26. Review status: criteria provided, single submitter. Criteria: Invitae Variant Classification Sherloc (09022015). Collection method: clinical testing. Allele origin: germline.

ARUP Laboratories, Molecular Genetics and Genomics, ARUP Laboratories
Classification: Likely benign. Last evaluated: 2022-02-05. Review status: criteria provided, single submitter. Criteria: ARUP Molecular Germline Variant Investigation Process 2021. Collection method: clinical testing. Allele origin: germline.

Ambry Genetics
Classification: Likely benign for Inborn genetic diseases. Last evaluated: 2019-07-11. Review status: criteria provided, single submitter. Criteria: Ambry Variant Classification Scheme 2023. Collection method: clinical testing. Allele origin: germline.

Illumina Laboratory Services, Illumina
Classification: Benign for Paroxysmal extreme pain disorder. Last evaluated: 2018-01-13. Review status: criteria provided, single submitter. Criteria: ICSL Variant Classification Criteria 13 December 2019. Collection method: clinical testing. Allele origin: germline.
Comment: This variant was observed in the ICSL laboratory as part of a predisposition screen in an ostensibly healthy population. It had not been previously curated by ICSL or reported in the Human Gene Mutation Database (HGMD: prior to June 1st, 2018), and was therefore a candidate for classification through an automated scoring system. Utilizing variant allele frequency, disease prevalence and penetrance estimates, and inheritance mode, an automated score was calculated to assess if this variant is too frequent to cause the disease. Based on the score and internal cut-off values, a variant classified as benign is not then subjected to further curation. The score for this variant resulted in a classification of benign for this disease.

Illumina Laboratory Services, Illumina
Classification: Uncertain significance for Channelopathy-associated congenital insensitivity to pain, autosomal recessive. Last evaluated: 2018-01-13. Review status: criteria provided, single submitter. Criteria: ICSL Variant Classification Criteria 13 December 2019. Collection method: clinical testing. Allele origin: germline.

PreventionGenetics, part of Exact Sciences
Classification: Likely benign for SCN9A-related condition. Last evaluated: 2019-07-03. Review status: no assertion criteria provided. Collection method: clinical testing. Allele origin: germline. Not counted in ClinVar's aggregate classification.
Comment: This variant is classified as likely benign based on ACMG/AMP sequence variant interpretation guidelines (Richards et al. 2015 PMID: 25741868, with internal and published modifications).

NM_001365536.1(SCN9A):c.1347T>C (p.Ser449=)

Genes: SCN1A-AS1 (SCN1A and SCN9A antisense RNA 1; plus strand), SCN9A (sodium voltage-gated channel alpha subunit 9; minus strand). Cytogenetic location: 2q24.3.
Variant type: single nucleotide variant.
Coding change: c.1347T>C on transcript NM_001365536.1 (MANE Select); coding-DNA position 1347, T replaced by C.
Protein change: p.Ser449=; no amino-acid change (serine 449 retained).
Molecular consequence: synonymous variant.
Genome position (GRCh38, 1-based): chr2:166,286,591, A>G on the plus strand (T>C on the coding strand, the complement: SCN9A is on the minus strand). VCF-style: chr2-166286591-A-G. GRCh37 (hg19) VCF-style: chr2-167143101-A-G.
Other names: c.1347T>C, p.Ser449= (NM_002977.4).
Identifiers: ClinVar variation 331991 (VCV000331991.24), dbSNP rs201990547, ClinGen allele CA1944523.